The following is an entry in ClinVar:

NM_001042432.2(CLN3):c.174C>T (p.Ala58=)

Gene: CLN3 (CLN3 lysosomal/endosomal transmembrane protein, battenin; minus strand). Cytogenetic location: 16p12.1.
Variant type: single nucleotide variant.
Coding change: c.174C>T on transcript NM_001042432.2 (MANE Select); coding-DNA position 174, C replaced by T.
Protein change: p.Ala58=; no amino-acid change (alanine 58 retained).
Molecular consequence: synonymous variant. On other transcripts: 5 prime UTR variant (1).
Genome position (GRCh38, 1-based): chr16:28,489,338, G>A on the plus strand (C>T on the coding strand, the complement: CLN3 is on the minus strand). VCF-style: chr16-28489338-G-A. GRCh37 (hg19) VCF-style: chr16-28500659-G-A.
Other names: p.A58A:GCC>GCT; c.174C>T, p.Ala58= (NM_000086.2, NM_001286104.2); c.-47C>T (NM_001286105.2); c.12C>T, p.Ala4= (NM_001286109.2, NM_001286110.2).
Identifiers: ClinVar variation 136786 (VCV000136786.40), dbSNP rs138433617, ClinGen allele CA290120.

ClinVar aggregate classification (germline): Benign/Likely benign. Review status: criteria provided, multiple submitters, no conflicts (2 of 4 stars). 5 submissions from 5 submitters: Benign (1); Likely benign (4). Last evaluated 2026-02-02.

Conditions:
Inborn genetic diseases. Identifiers: MedGen C0950123, MeSH D030342.
Neuronal ceroid lipofuscinosis. Also called: Neuronal Ceroid Lipofuscinoses. Identifiers: Orphanet 216, Orphanet 79263, MedGen C0027877, MONDO:0016295. Disease mechanism: loss of function.

Allele frequency attached by ClinVar (database versions not stated): gnomAD exomes 0.00011 and 0.00017; gnomAD 0.00014 and 0.00015; TOPMed 0.00015; ESP Exome Variant Server 0.00023; ExAC 0.00025.
gnomAD v4.1: 198 of 1,613,494 alleles (0.012%); highest among the groups gnomAD compares: East Asian, 0.21%; 1 homozygote.

Submissions (5):

Labcorp Genetics (formerly Invitae), Labcorp
Classification: Likely benign for Neuronal ceroid lipofuscinosis. Last evaluated: 2026-02-02. Review status: criteria provided, single submitter. Criteria: Invitae Variant Classification Sherloc (09022015). Collection method: clinical testing. Allele origin: germline.

CeGaT Center for Human Genetics Tuebingen
Classification: Likely benign. Last evaluated: 2025-04-01. Review status: criteria provided, single submitter. Criteria: CeGaT Center For Human Genetics Tuebingen Variant Classification Criteria Version 2. Collection method: clinical testing. Allele origin: germline. Affected: yes. Observed: 3 variant alleles.
Comment: CLN3: BP4, BP7

Blueprint Genetics
Classification: Likely benign. Last evaluated: 2024-03-19. Review status: criteria provided, single submitter. Criteria: ACMG Guidelines, 2015. Collection method: clinical testing. Allele origin: germline.

Ambry Genetics
Classification: Likely benign for Inborn genetic diseases. Last evaluated: 2016-02-25. Review status: criteria provided, single submitter. Criteria: Ambry Variant Classification Scheme 2023. Collection method: clinical testing. Allele origin: germline.

GeneDx
Classification: Benign. Last evaluated: 2014-03-05. Review status: criteria provided, single submitter. Criteria: GeneDx Variant Classification (06012015). Collection method: clinical testing. Allele origin: germline. Affected: yes.
Comment: This variant is considered likely benign or benign based on one or more of the following criteria: it is a conservative change, it occurs at a poorly conserved position in the protein, it is predicted to be benign by multiple in silico algorithms, and/or has population frequency not consistent with disease.